The following is an entry in ClinVar:

ClinVar aggregate classification (germline): Uncertain significance (1 of 4 stars; one submission).

Conditions:
Inborn genetic diseases. Identifiers: MedGen C0950123, MeSH D030342.

Allele frequency attached by ClinVar (database versions not stated): gnomAD 0.00001; ExAC 0.00002; TOPMed 0.00002.

Submission:

Ambry Genetics
Classification: Uncertain significance for Inborn genetic diseases. Last evaluated: 2020-08-14. Review status: criteria provided, single submitter. Criteria: Ambry Variant Classification Scheme 2023. Collection method: clinical testing. Allele origin: germline.
Comment: The p.V658I variant (also known as c.1972G>A), located in coding exon 16 of the SHANK3 gene, results from a G to A substitution at nucleotide position 1972. The valine at codon 658 is replaced by isoleucine, an amino acid with highly similar properties. This amino acid position is not well conserved in available vertebrate species, and isoleucine is the reference amino acid in other vertebrate species. Since supporting evidence is limited at this time, the clinical significance of this alteration remains unclear.

NM_001372044.2(SHANK3):c.2197G>A (p.Val733Ile)

Gene: SHANK3 (SH3 and multiple ankyrin repeat domains 3; plus strand). Cytogenetic location: 22q13.33.
Variant type: single nucleotide variant.
Coding change: c.2197G>A on transcript NM_001372044.2 (MANE Select); coding-DNA position 2197, G replaced by A.
Protein change: p.Val733Ile; replaces valine 733 with isoleucine.
Molecular consequence: missense variant.
Genome position (GRCh38, 1-based): chr22:50,705,039, G>A. VCF-style: chr22-50705039-G-A. GRCh37 (hg19) VCF-style: chr22-51143467-G-A.
Other names: c.1972G>A, p.Val658Ile (NM_033517.1); short protein forms V658I, V733I.
Identifiers: ClinVar variation 1783649 (VCV001783649.2), dbSNP rs746213189, ClinGen allele CA10325723.
Genomic context (GRCh38, chr22:50,705,039, plus strand): 5'-GTGGTGAAGGTCGGACACAAGCAGGTGGTGGCTCTGATTCGCCAGGGTGGCAACCGCCTC[G>A]TCATGAAGGTTGTGTCTGTGACAAGGAAGCCAGAAGAGGACGGGGCTCGGCGCAGAGGTG-3'
Protein context (NP_001358973.1, residues 723-743): ALIRQGGNRL[Val733Ile]MKVVSVTRKP